The following is an entry in ClinVar:

NM_201384.3(PLEC):c.433C>T (p.Gln145Ter)

Gene: PLEC (plectin; minus strand). Cytogenetic location: 8q24.3.
Variant type: single nucleotide variant.
Coding change: c.433C>T on transcript NM_201384.3 (MANE Select); coding-DNA position 433, C replaced by T.
Protein change: p.Gln145Ter; replaces glutamine 145 with a stop codon.
Molecular consequence: nonsense.
Genome position (GRCh38, 1-based): chr8:143,936,981, G>A on the plus strand (C>T on the coding strand, the complement: PLEC is on the minus strand). VCF-style: chr8-143936981-G-A. GRCh37 (hg19) VCF-style: chr8-145011149-G-A.
Other names: c.514C>T, p.Gln172Ter (NM_000445.5, NM_001410941.1); c.391C>T, p.Gln131Ter (NM_201378.4); c.367C>T, p.Gln123Ter (NM_201379.3); c.844C>T, p.Gln282Ter (NM_201380.4); c.337C>T, p.Gln113Ter (NM_201381.3); c.433C>T, p.Gln145Ter (NM_201382.4); c.445C>T, p.Gln149Ter (NM_201383.3); c.514C>T (NM_000445.4); short protein forms Q113*, Q123*, Q131*, Q145*, Q149*, Q172*, Q282*.
Identifiers: ClinVar variation 3755776 (VCV003755776.3).

ClinVar aggregate classification (germline): Pathogenic/Likely pathogenic. Review status: criteria provided, multiple submitters, no conflicts (2 of 4 stars). 2 submissions from 2 submitters: Pathogenic (1); Likely pathogenic (1). Last evaluated 2024-10-17.

Conditions:
Epidermolysis bullosa simplex 5C, with pyloric atresia (EBS5C). Also called: PLEC-Related Epidermolysis Bullosa with Pyloric Atresia; Epidermolysis bullosa simplex with pyloric atresia; PLEC1-Related Epidermolysis Bullosa with Pyloric Atresia. Identifiers: Orphanet 158684, MedGen C2677349, MONDO:0012807, OMIM 612138.
Epidermolysis bullosa simplex with nail dystrophy (EBS5D). Identifiers: MedGen C4225309, MONDO:0014661, OMIM 616487.
Epidermolysis bullosa simplex 5B, with muscular dystrophy (EBS5B). Also called: EPIDERMOLYSIS BULLOSA SIMPLEX AND LIMB-GIRDLE MUSCULAR DYSTROPHY; Epidermolysis bullosa simplex with muscular dystrophy. Identifiers: Orphanet 257, MedGen C2931072, MONDO:0009181, OMIM 226670.
Epidermolysis bullosa simplex, Ogna type (EBS5A). Also called: Pidermolysis bullosa simplex 5A, Ogna type; EPIDERMOLYSIS BULLOSA SIMPLEX 5A, OGNA TYPE. Identifiers: Orphanet 79401, MedGen C0432317, MONDO:0007555, OMIM 131950.
Autosomal recessive limb-girdle muscular dystrophy type 2Q (LGMDR17). Also called: MUSCULAR DYSTROPHY, LIMB-GIRDLE, AUTOSOMAL RECESSIVE 17. Identifiers: Orphanet 254361, MedGen C3150989, MONDO:0013390, OMIM 613723.
PLEC-related disorder. Also called: PLEC-related condition; PLEC-related disorders.

Submissions (2):

PreventionGenetics, part of Exact Sciences
Classification: Likely pathogenic for PLEC-related condition. Last evaluated: 2024-10-17. Review status: criteria provided, single submitter. Criteria: ACMG Guidelines, 2015. Collection method: clinical testing. Allele origin: germline.
Comment: The PLEC c.514C>T variant is predicted to result in premature protein termination (p.Gln172*). To our knowledge, this variant has not been reported in the literature or in a large population database (gnomAD), indicating this variant is rare. Nonsense variants in PLEC are expected to be pathogenic. This variant is interpreted as likely pathogenic.

Labcorp Genetics (formerly Invitae), Labcorp
Classification: Pathogenic for Autosomal recessive limb-girdle muscular dystrophy type 2Q; Epidermolysis bullosa simplex, Ogna type; Epidermolysis bullosa simplex with nail dystrophy; Epidermolysis bullosa simplex 5C, with pyloric atresia; Epidermolysis bullosa simplex 5B, with muscular dystrophy. Last evaluated: 2024-04-09. Review status: criteria provided, single submitter. Criteria: Invitae Variant Classification Sherloc (09022015). Collection method: clinical testing. Allele origin: germline.
Comment: This sequence change creates a premature translational stop signal (p.Gln172*) in the PLEC gene. It is expected to result in an absent or disrupted protein product. Loss-of-function variants in PLEC are known to be pathogenic (PMID: 20301336, 20447487, 21109228, 23289980, 28824526). This variant is not present in population databases (gnomAD no frequency). This variant has not been reported in the literature in individuals affected with PLEC-related conditions. For these reasons, this variant has been classified as Pathogenic.

Literature cited by the submitters: PubMed 20301336 (cited by Labcorp Genetics (formerly Invitae), Labcorp); PubMed 20447487 (cited by Labcorp Genetics (formerly Invitae), Labcorp); PubMed 21109228 (cited by Labcorp Genetics (formerly Invitae), Labcorp); PubMed 23289980 (cited by Labcorp Genetics (formerly Invitae), Labcorp); PubMed 28824526 (cited by Labcorp Genetics (formerly Invitae), Labcorp).